The following is an entry in ClinVar:

NM_001037131.3(AGAP1):c.1804C>T (p.Arg602Trp)

Gene: AGAP1 (ArfGAP with GTPase domain, ankyrin repeat and PH domain 1; plus strand). Cytogenetic location: 2q37.2.
Variant type: single nucleotide variant.
Coding change: c.1804C>T on transcript NM_001037131.3 (MANE Select); coding-DNA position 1804, C replaced by T.
Protein change: p.Arg602Trp; replaces arginine 602 with tryptophan.
Molecular consequence: missense variant.
Genome position (GRCh38, 1-based): chr2:236,040,754, C>T. VCF-style: chr2-236040754-C-T. GRCh37 (hg19) VCF-style: chr2-236949398-C-T.
Other names: c.1645C>T, p.Arg549Trp (NM_014914.5); short protein forms R602W, R549W.
Identifiers: ClinVar variation 2799044 (VCV002799044.3), dbSNP rs765449586, ClinGen allele CA2185039.
Genomic context (GRCh38, chr2:236,040,754, plus strand): 5'-ATGTGCGTTTCTCCCGGGGTGCTTACGCCTTGTATTTGTGTCTTCCTCCGTGCCCAGTCC[C>T]GGCTGACGAGCCAGAGCGAGGCCATGGCCCTGCAGTCGATCCGGAACATGCGCGGGAACT-3'
Protein context (NP_001032208.1, residues 592-612): QSCESSKNKS[Arg602Trp]LTSQSEAMAL

ClinVar aggregate classification (germline): Uncertain significance (1 of 4 stars; one submission).

Allele frequency attached by ClinVar (database versions not stated): gnomAD exomes below 0.00001; ExAC 0.00001; gnomAD 0.00001; TOPMed 0.00001.
gnomAD v4.1: 3 of 1,613,078 alleles (0.00019%); highest among the groups gnomAD compares: South Asian, 0.0022%; no homozygotes.

Submission:

Labcorp Genetics (formerly Invitae), Labcorp
Classification: Uncertain significance. Last evaluated: 2023-08-25. Review status: criteria provided, single submitter. Criteria: Invitae Variant Classification Sherloc (09022015). Collection method: clinical testing. Allele origin: germline.
Comment: The frequency data for this variant in the population databases is considered unreliable, as metrics indicate poor data quality at this position in the gnomAD database. In summary, the available evidence is currently insufficient to determine the role of this variant in disease. Therefore, it has been classified as a Variant of Uncertain Significance. An algorithm developed to predict the effect of missense changes on protein structure and function (PolyPhen-2) suggests that this variant is likely to be tolerated. This variant has not been reported in the literature in individuals affected with AGAP1-related conditions. This sequence change replaces arginine, which is basic and polar, with tryptophan, which is neutral and slightly polar, at codon 549 of the AGAP1 protein (p.Arg549Trp).